The following is an entry in ClinVar:

ClinVar aggregate classification (germline): Likely pathogenic. Review status: criteria provided, multiple submitters, no conflicts (2 of 4 stars). 2 submissions from 2 submitters: Likely pathogenic (2). Last evaluated 2022-03-17.

Conditions:
Hyperlipoproteinemia, type 1D. Also called: Hyperlipoproteinemia, type ID. Identifiers: Orphanet 444490, Orphanet 535458, MedGen C4014767, MONDO:0014412, OMIM 615947.

Allele frequency attached by ClinVar (database versions not stated): gnomAD exomes below 0.00001.

Submissions (2):

MGZ Medical Genetics Center
Classification: Likely pathogenic for Hyperlipoproteinemia, type 1D. Last evaluated: 2022-03-17. Review status: criteria provided, single submitter. Criteria: ACMG Guidelines, 2015. Collection method: clinical testing. Allele origin: germline. Affected: yes. Observed: 1 variant allele.
Comment: ACMG criteria applied: PVS1_STR, PM2_SUP, PM3_SUP

Institute of Human Genetics, University of Leipzig Medical Center
Classification: Likely pathogenic for Hyperlipoproteinemia, type 1D. Last evaluated: 2018-01-10. Review status: criteria provided, single submitter. Criteria: ACMG Guidelines, 2015. Collection method: clinical testing. Allele origin: germline. Affected: yes. Observed: 1 variant allele.
Comment: This variant was identified as homozygous

NM_178172.6(GPIHBP1):c.422G>A (p.Trp141Ter)

Gene: GPIHBP1 (glycosylphosphatidylinositol anchored high density lipoprotein binding protein 1; plus strand). Cytogenetic location: 8q24.3.
Variant type: single nucleotide variant.
Coding change: c.422G>A on transcript NM_178172.6 (MANE Select); coding-DNA position 422, G replaced by A.
Protein change: p.Trp141Ter; replaces tryptophan 141 with a stop codon.
Molecular consequence: nonsense. On other transcripts: intron variant (1).
Genome position (GRCh38, 1-based): chr8:143,215,385, G>A. VCF-style: chr8-143215385-G-A. GRCh37 (hg19) VCF-style: chr8-144297260-G-A.
Other names: c.375+47G>A (NM_001301772.2); short protein forms W141*.
Identifiers: ClinVar variation 975917 (VCV000975917.3), dbSNP rs1284611659, ClinGen allele CA372402458.